The following is an entry in ClinVar:

NM_006922.4(SCN3A):c.5956C>A (p.Pro1986Thr)

Gene: SCN3A (sodium voltage-gated channel alpha subunit 3; minus strand). Cytogenetic location: 2q24.3.
Variant type: single nucleotide variant.
Coding change: c.5956C>A on transcript NM_006922.4 (MANE Select); coding-DNA position 5956, C replaced by A.
Protein change: p.Pro1986Thr; replaces proline 1986 with threonine.
Molecular consequence: missense variant.
Genome position (GRCh38, 1-based): chr2:165,090,197, G>T on the plus strand (C>A on the coding strand, the complement: SCN3A is on the minus strand). VCF-style: chr2-165090197-G-T. GRCh37 (hg19) VCF-style: chr2-165946707-G-T.
Other names: c.5809C>A, p.Pro1937Thr (NM_001081676.2, NM_001081677.2); short protein forms P1986T, P1937T.
Identifiers: ClinVar variation 863826 (VCV000863826.10), dbSNP rs1329050086, ClinGen allele CA349009005.

ClinVar aggregate classification (germline): Uncertain significance. Review status: criteria provided, multiple submitters, no conflicts (2 of 4 stars). 2 submissions from 2 submitters: Uncertain significance (2). Last evaluated 2024-04-26.

Conditions:
Inborn genetic diseases. Identifiers: MedGen C0950123, MeSH D030342.

Allele frequency attached by ClinVar (database versions not stated): gnomAD exomes below 0.00001; TOPMed below 0.00001; gnomAD 0.00001.
gnomAD v4.1: 3 of 1,601,902 alleles (0.00019%); highest among the groups gnomAD compares: Admixed American, 0.0017%; no homozygotes.

Submissions (2):

Ambry Genetics
Classification: Uncertain significance for Inborn genetic diseases. Last evaluated: 2024-04-26. Review status: criteria provided, single submitter. Criteria: Ambry Variant Classification Scheme 2023. Collection method: clinical testing. Allele origin: germline.

Labcorp Genetics (formerly Invitae), Labcorp
Classification: Uncertain significance. Last evaluated: 2019-12-04. Review status: criteria provided, single submitter. Criteria: Invitae Variant Classification Sherloc (09022015). Collection method: clinical testing. Allele origin: germline.
Comment: This variant is not present in population databases (ExAC no frequency). This sequence change replaces proline with threonine at codon 1986 of the SCN3A protein (p.Pro1986Thr). The proline residue is moderately conserved and there is a small physicochemical difference between proline and threonine. This variant has not been reported in the literature in individuals with SCN3A-related conditions. Algorithms developed to predict the effect of missense changes on protein structure and function output the following: SIFT: "Tolerated"; PolyPhen-2: "Benign"; Align-GVGD: "Class C0". The threonine amino acid residue is found in multiple mammalian species, suggesting that this missense change does not adversely affect protein function. These predictions have not been confirmed by published functional studies and their clinical significance is uncertain. In summary, the available evidence is currently insufficient to determine the role of this variant in disease. Therefore, it has been classified as a Variant of Uncertain Significance.